The following is an entry in ClinVar:

Conditions:
Arteriohepatic dysplasia. Also called: Alagille Syndrome. Identifiers: Orphanet 52, MedGen C0085280, MeSH D016738, MONDO:0007318.

Submission:

Gilbert/Spinner Lab, Children's Hospital of Philadelphia
No classification provided (evidence only). Condition: Alagille syndrome. Review status: no classification provided. Collection method: research. Allele origin: not applicable. Functional consequence: functionally_abnormal.
ClinVar note: "not provided" was previously submitted as the classification for the variant. However, the classification appeared to be based only on an observation of functional data so it was converted to no classification on 2025-07-30.

NM_000214.3(JAG1):c.131A>G (p.Asn44Ser)

Gene: JAG1 (jagged canonical Notch ligand 1; minus strand). Cytogenetic location: 20p12.2.
Variant type: single nucleotide variant.
Coding change: c.131A>G on transcript NM_000214.3 (MANE Select); coding-DNA position 131, A replaced by G.
Protein change: p.Asn44Ser; replaces asparagine 44 with serine.
Molecular consequence: missense variant.
Genome position (GRCh38, 1-based): chr20:10,672,957, T>C on the plus strand (A>G on the coding strand, the complement: JAG1 is on the minus strand). VCF-style: chr20-10672957-T-C. GRCh37 (hg19) VCF-style: chr20-10653605-T-C.
Other names: short protein forms N44S.
Identifiers: ClinVar variation 3573242 (VCV003573242.2).